The following is an entry in ClinVar:

ClinVar aggregate classification (germline): Pathogenic (1 of 4 stars; one submission).

Submission:

Labcorp Genetics (formerly Invitae), Labcorp
Classification: Pathogenic. Last evaluated: 2025-10-19. Review status: criteria provided, single submitter. Criteria: Invitae Variant Classification Sherloc (09022015). Collection method: clinical testing. Allele origin: germline.
Comment: This sequence change creates a premature translational stop signal (p.Pro300Argfs*105) in the TAF4 gene. It is expected to result in an absent or disrupted protein product. Loss-of-function variants in TAF4 are known to be pathogenic (PMID: 35904126). The frequency data for this variant in the population databases is considered unreliable, as metrics indicate insufficient coverage at this position in the gnomAD database. This variant has not been reported in the literature in individuals affected with TAF4-related conditions. For these reasons, this variant has been classified as Pathogenic.

Literature cited by the submitters: PubMed 35904126.

NM_003185.4(TAF4):c.898_910del (p.Pro300fs)

Gene: TAF4 (TATA-box binding protein associated factor 4; minus strand). Cytogenetic location: 20q13.33.
Variant type: Deletion.
Coding change: c.898_910del on transcript NM_003185.4 (MANE Select); coding-DNA positions 898 to 910, 13 bases deleted (CCCGCCGCCGCCC).
Protein change: p.Pro300fs; shifts the reading frame from proline 300.
Molecular consequence: frameshift variant.
Genome position (GRCh38, 1-based): chr20:62,064,901-62,064,913, GGGCGGCGGCGGG deleted on the plus strand (CCCGCCGCCGCCC on the coding strand, the reverse complement: TAF4 is on the minus strand); deleting any 13 consecutive bases within chr20:62,064,901-62,064,920 gives the same sequence; the c. name uses the placement nearest the transcript's 3' end. VCF-style (leftmost placement, unchanged base first): chr20-62064900-TGGGCGGCGGCGGG-T. GRCh37 (hg19) VCF-style: chr20-60639956-TGGGCGGCGGCGGG-T.
Other names: short protein forms P300fs.
Identifiers: ClinVar variation 4729492 (VCV004729492.1).